The following is an entry in ClinVar:

ClinVar aggregate classification (germline): Uncertain significance. Review status: criteria provided, multiple submitters, no conflicts (2 of 4 stars). 3 submissions from 3 submitters: Uncertain significance (3). Last evaluated 2026-04-24.

Conditions:
Inborn genetic diseases. Identifiers: MedGen C0950123, MeSH D030342.
Congenital sideroblastic anemia-B-cell immunodeficiency-periodic fever-developmental delay syndrome. Also called: Sideroblastic anemia with B-cell immunodeficiency, periodic fevers, and developmental delay. Identifiers: Orphanet 369861, MedGen C4015172, MONDO:0014487, OMIM 616084.

Allele frequency attached by ClinVar (database versions not stated): TOPMed below 0.00001.
gnomAD v4.1: 16 of 1,613,880 alleles (0.00099%); highest among the groups gnomAD compares: Admixed American, 0.0017%; no homozygotes.

Submissions (3):

GeneDx
Classification: Uncertain significance. Last evaluated: 2026-04-24. Review status: criteria provided, single submitter. Criteria: GeneDx Variant Classification Process June 2021. Collection method: clinical testing. Allele origin: germline.
Comment: Not observed at significant frequency in large population cohorts (gnomAD); In silico analysis supports that this missense variant has a deleterious effect on protein structure/function; Has not been previously published as pathogenic or benign to our knowledge

Ambry Genetics
Classification: Uncertain significance for Inborn genetic diseases. Last evaluated: 2025-09-29. Review status: criteria provided, single submitter. Criteria: Ambry Variant Classification Scheme 2023. Collection method: clinical testing. Allele origin: germline.

Labcorp Genetics (formerly Invitae), Labcorp
Classification: Uncertain significance for Congenital sideroblastic anemia-B-cell immunodeficiency-periodic fever-developmental delay syndrome. Last evaluated: 2022-09-26. Review status: criteria provided, single submitter. Criteria: Invitae Variant Classification Sherloc (09022015). Collection method: clinical testing. Allele origin: germline.
Comment: This sequence change replaces glycine, which is neutral and non-polar, with alanine, which is neutral and non-polar, at codon 229 of the TRNT1 protein (p.Gly229Ala). This variant is present in population databases (rs773514953, gnomAD 0.004%). This variant has not been reported in the literature in individuals affected with TRNT1-related conditions. ClinVar contains an entry for this variant (Variation ID: 856433). Advanced modeling of protein sequence and biophysical properties (such as structural, functional, and spatial information, amino acid conservation, physicochemical variation, residue mobility, and thermodynamic stability) performed at Invitae indicates that this missense variant is not expected to disrupt TRNT1 protein function. In summary, the available evidence is currently insufficient to determine the role of this variant in disease. Therefore, it has been classified as a Variant of Uncertain Significance.

NM_182916.3(TRNT1):c.686G>C (p.Gly229Ala)

Gene: TRNT1 (tRNA nucleotidyl transferase 1; plus strand). Cytogenetic location: 3p26.2.
Variant type: single nucleotide variant.
Coding change: c.686G>C on transcript NM_182916.3 (MANE Select); coding-DNA position 686, G replaced by C.
Protein change: p.Gly229Ala; replaces glycine 229 with alanine.
Molecular consequence: missense variant. On other transcripts: non-coding transcript variant (6).
Genome position (GRCh38, 1-based): chr3:3,146,507, G>C. VCF-style: chr3-3146507-G-C. GRCh37 (hg19) VCF-style: chr3-3188191-G-C.
Other names: c.686G>C, p.Gly229Ala (NM_001302946.2, NM_001367321.1, NM_001367322.1 and 1 more transcripts); short protein forms G229A.
Identifiers: ClinVar variation 856433 (VCV000856433.6), dbSNP rs773514953, ClinGen allele CA2228756.